The following is an entry in ClinVar:

ClinVar aggregate classification (germline): Uncertain significance (1 of 4 stars; one submission).

Conditions:
Marfan syndrome (MFS). Also called: Marfan syndrome type 1; Marfan's syndrome; FBN1-Related Marfan Syndrome; MARFAN SYNDROME, TYPE I; Marfan syndrome, classic. Identifiers: Orphanet 284963, Orphanet 558, MedGen C0024796, MONDO:0007947, OMIM 154700.
Familial thoracic aortic aneurysm and aortic dissection (TAAD). Also called: Thoracic aortic aneurysms and dissections. Identifiers: Orphanet 91387, MedGen C4707243, MONDO:0019625.

Submission:

Labcorp Genetics (formerly Invitae), Labcorp
Classification: Uncertain significance for Marfan syndrome; Familial thoracic aortic aneurysm and aortic dissection. Last evaluated: 2021-11-15. Review status: criteria provided, single submitter. Criteria: Invitae Variant Classification Sherloc (09022015). Collection method: clinical testing. Allele origin: germline.
Comment: This sequence change replaces glycine, which is neutral and non-polar, with valine, which is neutral and non-polar, at codon 1994 of the FBN1 protein (p.Gly1994Val). This variant is not present in population databases (gnomAD no frequency). This variant has not been reported in the literature in individuals affected with FBN1-related conditions. Advanced modeling of protein sequence and biophysical properties (such as structural, functional, and spatial information, amino acid conservation, physicochemical variation, residue mobility, and thermodynamic stability) performed at Invitae indicates that this missense variant is expected to disrupt FBN1 protein function. In summary, the available evidence is currently insufficient to determine the role of this variant in disease. Therefore, it has been classified as a Variant of Uncertain Significance.

NM_000138.5(FBN1):c.5981G>T (p.Gly1994Val)

Gene: FBN1 (fibrillin 1; minus strand). Cytogenetic location: 15q21.1.
Variant type: single nucleotide variant.
Coding change: c.5981G>T on transcript NM_000138.5 (MANE Select); coding-DNA position 5981, G replaced by T.
Protein change: p.Gly1994Val; replaces glycine 1994 with valine.
Molecular consequence: missense variant.
Genome position (GRCh38, 1-based): chr15:48,444,597, C>A on the plus strand (G>T on the coding strand, the complement: FBN1 is on the minus strand). VCF-style: chr15-48444597-C-A. GRCh37 (hg19) VCF-style: chr15-48736794-C-A.
Other names: short protein forms G1994V.
Identifiers: ClinVar variation 1387480 (VCV001387480.6), dbSNP rs1484900122, ClinGen allele CA392339762.
Genomic context (GRCh38, chr15:48,444,597, plus strand): 5'-CTACCTTCACACTTCTCATTTTGAAGACTGTATCCAGGTGGGCAAATGCATCTGTAGGAC[C>A]CATCCAAGTTTTGACAGGTACCTGGTGCACATTTTCTGGGTTCTAGAAGACATTCATTGA-3'
Protein context (NP_000129.3, residues 1984-2004): CAPGTCQNLD[Gly1994Val]SYRCICPPGY